The following is an entry in ClinVar:

ClinVar aggregate classification (germline): Benign/Likely benign. Review status: criteria provided, multiple submitters, no conflicts (2 of 4 stars). 2 submissions from 2 submitters: Benign (1); Likely benign (1). Last evaluated 2024-11-25.

Allele frequency attached by ClinVar (database versions not stated): ESP Exome Variant Server 0.00200; 1000 Genomes Project 0.00280; 1000 Genomes Project 30x 0.00328.
gnomAD v4.1: 502 of 1,567,110 alleles (0.032%); highest among the groups gnomAD compares: African/African-American, 0.6%; 1 homozygote.

Submissions (2):

Blueprint Genetics
Classification: Likely benign. Last evaluated: 2024-11-25. Review status: criteria provided, single submitter. Criteria: ACMG Guidelines, 2015. Collection method: clinical testing. Allele origin: germline.

CeGaT Center for Human Genetics Tuebingen
Classification: Benign. Last evaluated: 2022-03-01. Review status: criteria provided, single submitter. Criteria: CeGaT Center For Human Genetics Tuebingen Variant Classification Criteria Version 2. Collection method: clinical testing. Allele origin: germline. Affected: yes. Observed: 1 variant allele.
Comment: NACC1: BS1, BS2

NM_052876.4(NACC1):c.-8-7C>T

Gene: NACC1 (nucleus accumbens associated 1; plus strand). Cytogenetic location: 19p13.13.
Variant type: single nucleotide variant.
Coding change: c.-8-7C>T on transcript NM_052876.4 (MANE Select); 7 bases into the intron before 8 bases upstream of the start codon, C replaced by T.
Molecular consequence: intron variant.
Genome position (GRCh38, 1-based): chr19:13,135,193, C>T. VCF-style: chr19-13135193-C-T. GRCh37 (hg19) VCF-style: chr19-13246007-C-T.
Identifiers: ClinVar variation 2649370 (VCV002649370.25), dbSNP rs202137137, ClinGen allele CA9238207.
Genomic context (GRCh38, chr19:13,135,193, plus strand): 5'-CCCACATTTGCCGCCTGACCCCGTCCCTCCGTCTCTGTCTCTCCATTCCTCCCTGCCCCT[C>T]GTGCAGCCGCTGCCATGGCCCAGACACTGCAGATGGAGATCCCGAACTTCGGCAACAGCA-3'